The following is an entry in ClinVar:

ClinVar aggregate classification (germline): Uncertain significance. Review status: criteria provided, multiple submitters, no conflicts (2 of 4 stars). 7 submissions from 6 submitters: Uncertain significance (7). Last evaluated 2024-12-31.

Conditions:
WDR19-related disorder. Also called: WDR19-related condition; WDR19-related disorders. Identifiers: MedGen CN380161.
Connective tissue disorder. Also called: Connective tissue disease. Identifiers: MedGen C0009782, MONDO:0003900.
Cranioectodermal dysplasia 4 (CED4). Identifiers: Orphanet 1515, MedGen C3280616, MONDO:0013719, OMIM 614378.
Asphyxiating thoracic dystrophy 5 (SRTD5). Also called: SHORT-RIB THORACIC DYSPLASIA 5 WITH OR WITHOUT POLYDACTYLY; SHORT-RIB THORACIC DYSPLASIA 5 WITHOUT POLYDACTYLY. Identifiers: Orphanet 474, MedGen C3280598, MONDO:0013717, OMIM 614376.
Senior-Loken syndrome 8 (SLSN8). Identifiers: Orphanet 3156, MedGen C4225376, MONDO:0014579, OMIM 616307.
Spermatogenic failure 72 (SPGF72). Identifiers: MedGen C5676980, MONDO:0030809, OMIM 619867.
Nephronophthisis 13 (NPHP13). Identifiers: Orphanet 655, MedGen C3280612, MONDO:0013718, OMIM 614377.

Allele frequency attached by ClinVar (database versions not stated): ESP Exome Variant Server 0.00008; gnomAD 0.00011; gnomAD exomes 0.00013 and 0.00025; TOPMed 0.00015; ExAC 0.00018.
gnomAD v4.1: 374 of 1,600,200 alleles (0.023%); highest among the groups gnomAD compares: Non-Finnish European, 0.03%; no homozygotes.

Submissions (7):

Labcorp Genetics (formerly Invitae), Labcorp
Classification: Uncertain significance for Senior-Loken syndrome 8; Asphyxiating thoracic dystrophy 5. Last evaluated: 2024-12-31. Review status: criteria provided, single submitter. Criteria: Invitae Variant Classification Sherloc (09022015). Collection method: clinical testing. Allele origin: germline.
Comment: This sequence change replaces aspartic acid, which is acidic and polar, with alanine, which is neutral and non-polar, at codon 230 of the WDR19 protein (p.Asp230Ala). This variant is present in population databases (rs202232525, gnomAD 0.02%). This missense change has been observed in individual(s) with WDR19-related conditions (PMID: 32483926). ClinVar contains an entry for this variant (Variation ID: 899609). Invitae Evidence Modeling of protein sequence and biophysical properties (such as structural, functional, and spatial information, amino acid conservation, physicochemical variation, residue mobility, and thermodynamic stability) indicates that this missense variant is not expected to disrupt WDR19 protein function with a negative predictive value of 80%. In summary, the available evidence is currently insufficient to determine the role of this variant in disease. Therefore, it has been classified as a Variant of Uncertain Significance.

Blueprint Genetics
Classification: Uncertain significance. Last evaluated: 2024-03-14. Review status: criteria provided, single submitter. Criteria: ACMG Guidelines, 2015. Collection method: clinical testing. Allele origin: germline.

PreventionGenetics, part of Exact Sciences
Classification: Uncertain significance for WDR19-related condition. Last evaluated: 2023-04-30. Review status: criteria provided, single submitter. Criteria: ACMG Guidelines, 2015. Collection method: clinical testing. Allele origin: germline.
Comment: The WDR19 c.689A>C variant is predicted to result in the amino acid substitution p.Asp230Ala. This variant was reported in a study of individuals with inherited retinal and optic nerve disorders, however additional information was not provided (Table S12, Diñeiro et al. 2020. PubMed ID: 32483926). This variant is reported in 0.023% of alleles in individuals of European (Non-Finnish) descent in gnomAD. At this time, the clinical significance of this variant is uncertain due to the absence of conclusive functional and genetic evidence.

Fulgent Genetics
Classification: Uncertain significance for Asphyxiating thoracic dystrophy 5; Nephronophthisis 13; Cranioectodermal dysplasia 4; Senior-Loken syndrome 8; Spermatogenic failure 72. Last evaluated: 2022-03-16. Review status: criteria provided, single submitter. Criteria: ACMG Guidelines, 2015. Collection method: clinical testing. Allele origin: unknown.

Genome Diagnostics Laboratory, The Hospital for Sick Children
Classification: Uncertain significance for Connective tissue disorder. Last evaluated: 2019-08-01. Review status: criteria provided, single submitter. Criteria: ACMG Guidelines, 2015. Collection method: clinical testing. Allele origin: germline.

Illumina Laboratory Services, Illumina
Classification: Uncertain significance for Asphyxiating thoracic dystrophy 5. Last evaluated: 2018-01-12. Review status: criteria provided, single submitter. Criteria: ICSL Variant Classification Criteria 13 December 2019. Collection method: clinical testing. Allele origin: germline.

Illumina Laboratory Services, Illumina
Classification: Uncertain significance for Cranioectodermal dysplasia 4. Last evaluated: 2018-01-12. Review status: criteria provided, single submitter. Criteria: ICSL Variant Classification Criteria 13 December 2019. Collection method: clinical testing. Allele origin: germline.

Literature cited by the submitters: PubMed 32483926 (cited by Labcorp Genetics (formerly Invitae), Labcorp).

NM_025132.4(WDR19):c.689A>C (p.Asp230Ala)

Gene: WDR19 (WD repeat domain 19; plus strand). Cytogenetic location: 4p14.
Variant type: single nucleotide variant.
Coding change: c.689A>C on transcript NM_025132.4 (MANE Select); coding-DNA position 689, A replaced by C.
Protein change: p.Asp230Ala; replaces aspartic acid 230 with alanine.
Molecular consequence: missense variant.
Genome position (GRCh38, 1-based): chr4:39,205,239, A>C. VCF-style: chr4-39205239-A-C. GRCh37 (hg19) VCF-style: chr4-39206859-A-C.
Other names: c.209A>C, p.Asp70Ala (NM_001317924.2); short protein forms D70A, D230A.
Identifiers: ClinVar variation 899609 (VCV000899609.16), dbSNP rs202232525, ClinGen allele CA2891675.